The following is an entry in ClinVar:

NM_001048174.2(MUTYH):c.607G>A (p.Ala203Thr)

Gene: MUTYH (mutY DNA glycosylase; minus strand). Cytogenetic location: 1p34.1.
Variant type: single nucleotide variant.
Coding change: c.607G>A on transcript NM_001048174.2 (MANE Select); coding-DNA position 607, G replaced by A.
Protein change: p.Ala203Thr; replaces alanine 203 with threonine.
Molecular consequence: missense variant. On other transcripts: non-coding transcript variant (2).
Genome position (GRCh38, 1-based): chr1:45,332,488, C>T on the plus strand (G>A on the coding strand, the complement: MUTYH is on the minus strand). VCF-style: chr1-45332488-C-T. GRCh37 (hg19) VCF-style: chr1-45798160-C-T.
Other names: c.691G>A (NM_001128425.1); c.607G>A, p.Ala203Thr (NM_001048171.2, NM_001048173.2, NM_001293195.2); c.610G>A, p.Ala204Thr (NM_001048172.2); c.691G>A, p.Ala231Thr (NM_001128425.2); c.652G>A, p.Ala218Thr (NM_001293190.2); c.640G>A, p.Ala214Thr (NM_001293191.2); c.331G>A, p.Ala111Thr (NM_001293192.2, NM_001293196.2); c.262G>A, p.Ala88Thr (NM_001350650.2, NM_001350651.2); and 1 more; short protein forms A88T, A111T, A203T, A214T, A204T, A228T, A218T, A231T.
Identifiers: ClinVar variation 1367014 (VCV001367014.8), dbSNP rs2149146140, ClinGen allele CA340135244.

ClinVar aggregate classification (germline): Conflicting classifications of pathogenicity. Review status: criteria provided, conflicting classifications (1 of 4 stars). 2 submissions from 2 submitters: Uncertain significance (1); Likely benign (1). Last evaluated 2025-09-16.

Conditions:
Familial adenomatous polyposis 2. Also called: Adenomas, multiple colorectal; MYH-associated polyposis; COLORECTAL ADENOMATOUS POLYPOSIS, AUTOSOMAL RECESSIVE; ADENOMAS, MULTIPLE COLORECTAL, AUTOSOMAL RECESSIVE; FAP type 2; MUTYH Polyposis. Identifiers: Orphanet 220460, Orphanet 247798, MedGen C3272841, MONDO:0012041, OMIM 608456.
Hereditary cancer-predisposing syndrome. Also called: Tumor predisposition; Neoplastic Syndromes, Hereditary; Hereditary Cancer Syndrome; Hereditary neoplastic syndrome. Identifiers: Orphanet 140162, MedGen C0027672, MeSH D009386, MONDO:0015356.

gnomAD v4.1: 2 of 1,614,088 alleles (0.00012%); highest among the groups gnomAD compares: South Asian, 0.0011%; no homozygotes.

Submissions (2):

Ambry Genetics
Classification: Likely benign for Hereditary cancer-predisposing syndrome. Last evaluated: 2025-09-16. Review status: criteria provided, single submitter. Criteria: Ambry Variant Classification Scheme 2023. Collection method: clinical testing. Allele origin: germline.

Labcorp Genetics (formerly Invitae), Labcorp
Classification: Uncertain significance for Familial adenomatous polyposis 2. Last evaluated: 2021-11-14. Review status: criteria provided, single submitter. Criteria: Invitae Variant Classification Sherloc (09022015). Collection method: clinical testing. Allele origin: germline.
Comment: Algorithms developed to predict the effect of missense changes on protein structure and function (SIFT, PolyPhen-2, Align-GVGD) all suggest that this variant is likely to be tolerated. In summary, the available evidence is currently insufficient to determine the role of this variant in disease. Therefore, it has been classified as a Variant of Uncertain Significance. This variant has not been reported in the literature in individuals affected with MUTYH-related conditions. This variant is not present in population databases (gnomAD no frequency). This sequence change replaces alanine, which is neutral and non-polar, with threonine, which is neutral and polar, at codon 231 of the MUTYH protein (p.Ala231Thr).